The following is an entry in ClinVar:

ClinVar aggregate classification (germline): Uncertain significance (1 of 4 stars; one submission).

Allele frequency attached by ClinVar (database versions not stated): TOPMed below 0.00001; gnomAD 0.00001.

Submission:

GeneDx
Classification: Uncertain significance. Last evaluated: 2020-04-15. Review status: criteria provided, single submitter. Criteria: GeneDx Variant Classification Process June 2021. Collection method: clinical testing. Allele origin: germline. Affected: yes.
Comment: Has not been previously published as pathogenic or benign to our knowledge; Not observed in large population cohorts (Lek et al., 2016); In silico analysis supports that this missense variant has a deleterious effect on protein structure/function

NM_005654.6(NR2F1):c.1174C>T (p.Arg392Cys)

Gene: NR2F1 (nuclear receptor subfamily 2 group F member 1; plus strand). Cytogenetic location: 5q15.
Variant type: single nucleotide variant.
Coding change: c.1174C>T on transcript NM_005654.6 (MANE Select); coding-DNA position 1174, C replaced by T.
Protein change: p.Arg392Cys; replaces arginine 392 with cysteine.
Molecular consequence: missense variant.
Genome position (GRCh38, 1-based): chr5:93,593,744, C>T. VCF-style: chr5-93593744-C-T. GRCh37 (hg19) VCF-style: chr5-92929450-C-T.
Other names: short protein forms R392C.
Identifiers: ClinVar variation 1215575 (VCV001215575.3), dbSNP rs1753374624, ClinGen allele CA360527952.